The following is an entry in ClinVar:

ClinVar aggregate classification (germline): Uncertain significance. Review status: criteria provided, multiple submitters, no conflicts (2 of 4 stars). 3 submissions from 3 submitters: Uncertain significance (3). Last evaluated 2026-01-11.

Conditions:
FBN2-related disorder. Also called: FBN2-related condition.
Congenital contractural arachnodactyly (CCA). Also called: Beals-Hecht syndrome; BEALS SYNDROME; Arthrogryposis, distal, type 9. Identifiers: Orphanet 115, MedGen C0220668, MONDO:0007363, OMIM 121050.

gnomAD v4.1: 1 of 1,614,054 alleles (0.000062%); no homozygotes.

Submissions (3):

Labcorp Genetics (formerly Invitae), Labcorp
Classification: Uncertain significance for Congenital contractural arachnodactyly. Last evaluated: 2026-01-11. Review status: criteria provided, single submitter. Criteria: Invitae Variant Classification Sherloc (09022015). Collection method: clinical testing. Allele origin: germline.
Comment: This sequence change replaces glycine, which is neutral and non-polar, with arginine, which is basic and polar, at codon 1364 of the FBN2 protein (p.Gly1364Arg). This variant is not present in population databases (gnomAD no frequency). This variant has not been reported in the literature in individuals affected with FBN2-related conditions. ClinVar contains an entry for this variant (Variation ID: 2633080). Invitae Evidence Modeling of protein sequence and biophysical properties (such as structural, functional, and spatial information, amino acid conservation, physicochemical variation, residue mobility, and thermodynamic stability) indicates that this missense variant is expected to disrupt FBN2 protein function with a positive predictive value of 80%. In summary, the available evidence is currently insufficient to determine the role of this variant in disease. Therefore, it has been classified as a Variant of Uncertain Significance.

PreventionGenetics, part of Exact Sciences
Classification: Uncertain significance for FBN2-related condition. Last evaluated: 2025-06-17. Review status: criteria provided, single submitter. Criteria: ACMG Guidelines, 2015. Collection method: clinical testing. Allele origin: germline.
Comment: The FBN2 c.4090G>A variant is predicted to result in the amino acid substitution p.Gly1364Arg. To our knowledge, this variant has not been reported in the literature or in a large population database (gnomAD), indicating this variant is rare. At this time, the clinical significance of this variant is uncertain due to the absence of conclusive functional and genetic evidence.

GeneDx
Classification: Uncertain significance. Last evaluated: 2025-06-11. Review status: criteria provided, single submitter. Criteria: GeneDx Variant Classification Process June 2021. Collection method: clinical testing. Allele origin: germline. Affected: yes.
Comment: Has not been previously published as pathogenic or benign to our knowledge; In silico analysis supports that this missense variant has a deleterious effect on protein structure/function; Not observed at significant frequency in large population cohorts (gnomAD); Although located in a calcium-binding EGF-like domain of the FBN2 gene, it does not substitute or introduce a cysteine residue (PMID: 19006240, 18767143); This variant is associated with the following publications: (PMID: 18767143, 19006240)

NM_001999.4(FBN2):c.4090G>A (p.Gly1364Arg)

Gene: FBN2 (fibrillin 2; minus strand). Cytogenetic location: 5q23.3.
Variant type: single nucleotide variant.
Coding change: c.4090G>A on transcript NM_001999.4 (MANE Select); coding-DNA position 4090, G replaced by A.
Protein change: p.Gly1364Arg; replaces glycine 1364 with arginine.
Molecular consequence: missense variant.
Genome position (GRCh38, 1-based): chr5:128,334,728, C>T on the plus strand (G>A on the coding strand, the complement: FBN2 is on the minus strand). VCF-style: chr5-128334728-C-T. GRCh37 (hg19) VCF-style: chr5-127670420-C-T.
Other names: short protein forms G1364R.
Identifiers: ClinVar variation 2633080 (VCV002633080.4), dbSNP rs1750789808, ClinGen allele CA360756799.